The following is an entry in ClinVar:

NM_001267550.2(TTN):c.8902+16T>A

Gene: TTN (titin; minus strand). Cytogenetic location: 2q31.2.
Variant type: single nucleotide variant.
Coding change: c.8902+16T>A on transcript NM_001267550.2 (MANE Select); 16 bases into the intron after coding-DNA position 8902, T replaced by A.
Molecular consequence: intron variant.
Genome position (GRCh38, 1-based): chr2:178,769,663, A>T on the plus strand (T>A on the coding strand, the complement: TTN is on the minus strand). VCF-style: chr2-178769663-A-T. GRCh37 (hg19) VCF-style: chr2-179634390-A-T.
Other names: c.8764+16T>A (NM_003319.4, NM_133437.4, NM_133432.3); c.8902+16T>A (NM_133378.4, NM_001256850.1, NM_133379.5).
Identifiers: ClinVar variation 137828 (VCV000137828.10), dbSNP rs66507451, ClinGen allele CA291513.
Genomic context (GRCh38, chr2:178,769,663, plus strand): 5'-AGAATATCAATGAATCTACTGAATATTTGATATTTTATATATATGTGTATATATATATAT[A>T]TATTTTTTAACTTACGGGTGACTGTCAGGGTGGCACTGACTTGGTCATTGCCACAGACAA-3'

ClinVar aggregate classification (germline): Benign/Likely benign. Review status: criteria provided, multiple submitters, no conflicts (2 of 4 stars). 3 submissions from 3 submitters: Benign (1); Likely benign (2). Last evaluated 2026-02-01.

Conditions:
Dilated cardiomyopathy 1G (CMD1G). Identifiers: Orphanet 154, MedGen C1858763, MONDO:0011400, OMIM 604145.
Autosomal recessive limb-girdle muscular dystrophy type 2J (LGMDR10). Also called: MUSCULAR DYSTROPHY, LIMB-GIRDLE, AUTOSOMAL RECESSIVE 10; Limb-girdle muscular dystrophy, type 2J. Identifiers: Orphanet 140922, MedGen C1837342, MONDO:0012127, OMIM 608807.

Allele frequency attached by ClinVar (database versions not stated): gnomAD exomes 0.00032.
gnomAD v4.1: 5 of 1,164,152 alleles (0.00043%); highest among the groups gnomAD compares: Non-Finnish European, 0.00057%; no homozygotes.

Submissions (3):

Labcorp Genetics (formerly Invitae), Labcorp
Classification: Likely benign for Dilated cardiomyopathy 1G; Autosomal recessive limb-girdle muscular dystrophy type 2J. Last evaluated: 2026-02-01. Review status: criteria provided, single submitter. Criteria: Invitae Variant Classification Sherloc (09022015). Collection method: clinical testing. Allele origin: germline.

Women's Health and Genetics/Laboratory Corporation of America, LabCorp
Classification: Likely benign. Last evaluated: 2024-12-12. Review status: criteria provided, single submitter. Criteria: LabCorp Variant Classification Summary - May 2015. Collection method: clinical testing. Allele origin: germline.

GeneDx
Classification: Benign. Last evaluated: 2013-08-29. Review status: criteria provided, single submitter. Criteria: GeneDx Variant Classification (06012015). Collection method: clinical testing. Allele origin: germline. Affected: yes.
Comment: This variant is considered likely benign or benign based on one or more of the following criteria: it is a conservative change, it occurs at a poorly conserved position in the protein, it is predicted to be benign by multiple in silico algorithms, and/or has population frequency not consistent with disease.